The following is an entry in ClinVar:

NM_000548.5(TSC2):c.3596T>A (p.Val1199Asp)

Gene: TSC2 (TSC complex subunit 2; plus strand). Cytogenetic location: 16p13.3.
Variant type: single nucleotide variant.
Coding change: c.3596T>A on transcript NM_000548.5 (MANE Select); coding-DNA position 3596, T replaced by A.
Protein change: p.Val1199Asp; replaces valine 1199 with aspartic acid.
Molecular consequence: missense variant. On other transcripts: non-coding transcript variant (5).
Genome position (GRCh38, 1-based): chr16:2,080,363, T>A. VCF-style: chr16-2080363-T-A. GRCh37 (hg19) VCF-style: chr16-2130364-T-A.
Other names: c.3005T>A, p.Val1002Asp (NM_001406681.1); c.2996T>A, p.Val999Asp (NM_001406682.1, NM_001406683.1, NM_001406680.1); c.2993T>A, p.Val998Asp (NM_001406684.1); c.2867T>A, p.Val956Asp (NM_001406685.1, NM_001406686.1); c.2864T>A, p.Val955Asp (NM_001406687.1, NM_001406688.1, NM_001318831.2); c.2252T>A, p.Val751Asp (NM_001406689.1); c.2123T>A, p.Val708Asp (NM_001406690.1, NM_001406692.1, NM_001406693.1 and 1 more transcripts); c.3464T>A, p.Val1155Asp (NM_001077183.3, NM_001370404.1, NM_001406665.1); and 18 more; short protein forms V1002D, V1106D, V1107D, V1118D, V1119D, V1136D, V1149D, V1150D.
Identifiers: ClinVar variation 4539722 (VCV004539722.2).
Genomic context (GRCh38, chr16:2,080,363, plus strand): 5'-AGAAGACGAACCTGGCGGCCTATGTGCCCCTGCTGACCCAGGGCTGGGCGGAGATCCTGG[T>A]CCGGAGGCCCACAGGTACTGGGCGGGGCTGGCCTGAGCGCCATCTTTCTGCCAGTCACCC-3'
Protein context (NP_000539.2, residues 1189-1209): LLTQGWAEIL[Val1199Asp]RRPTGNTSWL

ClinVar aggregate classification (germline): Uncertain significance (1 of 4 stars; one submission).
ClinVar aggregate classification (oncogenicity): Uncertain significance (1 of 4 stars; one submission).

Conditions:
Hereditary cancer-predisposing syndrome. Also called: Neoplastic Syndromes, Hereditary; Tumor predisposition; Hereditary Cancer Syndrome; Hereditary neoplastic syndrome. Identifiers: Orphanet 140162, MedGen C0027672, MeSH D009386, MONDO:0015356.
Neoplasm. Also called: tumor; Neoplasms; Neoplasm (disease). Identifiers: MedGen C0027651, MeSH D009369, MONDO:0005070, HP:0002664.

Submissions (2):

Ambry Genetics
Classification: Uncertain significance for Hereditary cancer-predisposing syndrome. Last evaluated: 2026-02-23. Review status: criteria provided, single submitter. Criteria: Ambry Variant Classification Scheme 2023. Collection method: clinical testing. Allele origin: germline.
Comment: The p.V1199D variant (also known as c.3596T>A), located in coding exon 29 of the TSC2 gene, results from a T to A substitution at nucleotide position 3596. The valine at codon 1199 is replaced by aspartic acid, an amino acid with highly dissimilar properties. This amino acid position is conserved. In addition, this alteration is predicted to be deleterious by in silico analysis. Based on the available evidence, the clinical significance of this variant remains unclear.

Center for Genomic Medicine, Rigshospitalet, Copenhagen University Hospital
Classification: Uncertain significance for Neoplasm. Last evaluated: 2025-12-29. Review status: criteria provided, single submitter. Criteria: ClinGen/CGC/VICC Guidelines for Oncogenicity, 2022. Collection method: clinical testing. Allele origin: somatic. Affected: yes.

Literature cited by the submitters: PubMed 18854862 (cited by Center for Genomic Medicine, Rigshospitalet, Copenhagen University Hospital).